The following is an entry in ClinVar:

NM_173660.5(DOK7):c.475C>T (p.Arg159Cys)

Gene: DOK7 (docking protein 7; plus strand). Cytogenetic location: 4p16.3.
Variant type: single nucleotide variant.
Coding change: c.475C>T on transcript NM_173660.5 (MANE Select); coding-DNA position 475, C replaced by T.
Protein change: p.Arg159Cys; replaces arginine 159 with cysteine.
Molecular consequence: missense variant. On other transcripts: intron variant (1).
Genome position (GRCh38, 1-based): chr4:3,476,485, C>T. VCF-style: chr4-3476485-C-T. GRCh37 (hg19) VCF-style: chr4-3478212-C-T.
Other names: c.475C>T, p.Arg159Cys (NM_001164673.2, NM_001301071.2); c.101-9054C>T (NM_001363811.2); short protein forms R159C.
Identifiers: ClinVar variation 1305070 (VCV001305070.4), dbSNP rs368891521, ClinGen allele CA2829008.

ClinVar aggregate classification (germline): Uncertain significance. Review status: criteria provided, multiple submitters, no conflicts (2 of 4 stars). 2 submissions from 2 submitters: Uncertain significance (2). Last evaluated 2019-08-28.

Allele frequency attached by ClinVar (database versions not stated): gnomAD 0.00001 and 0.00002; ExAC 0.00002; gnomAD exomes 0.00002 and 0.00003; TOPMed 0.00002; ESP Exome Variant Server 0.00015; 1000 Genomes Project 30x 0.00016; 1000 Genomes Project 0.00020.
gnomAD v4.1: 46 of 1,613,882 alleles (0.0029%); highest among the groups gnomAD compares: South Asian, 0.0066%; no homozygotes.

Submissions (2):

Revvity Omics, Revvity
Classification: Uncertain significance. Last evaluated: 2019-08-28. Review status: criteria provided, single submitter. Criteria: ACMG Guidelines, 2015. Collection method: clinical testing. Allele origin: germline.

GeneDx
Classification: Uncertain significance. Last evaluated: 2019-04-09. Review status: criteria provided, single submitter. Criteria: GeneDx Variant Classification Process June 2021. Collection method: clinical testing. Allele origin: germline. Affected: yes.
Comment: Not observed at a significant frequency in large population cohorts (Lek et al., 2016); In silico analysis, which includes protein predictors and evolutionary conservation, supports a deleterious effect; Has not been previously published as pathogenic or benign to our knowledge